The following continues an entry in ClinVar:

NM_001276345.2(TNNT2):c.601-1G>A

Gene: TNNT2. ClinVar aggregate classification (germline): Conflicting classifications of pathogenicity. Likely pathogenic (1); Uncertain significance (13); Benign (2); Likely benign (3).

Submissions 18 to 22 of 22:

Laboratory for Molecular Medicine, Mass General Brigham Personalized Medicine
Classification: Uncertain significance. Last evaluated: 2015-11-11. Review status: criteria provided, single submitter. Criteria: LMM Criteria. Collection method: clinical testing. Allele origin: germline. Observed: 4 variant alleles.
Comment: Variant classified as Uncertain Significance - Favor Pathogenic. The c.571-1G>A variant in TNNT2 has been reported in 4 individuals with cardiomyopathy (1 child DCM; 1 child LVNC; 1 child HCM and VT; 1 adult DCM) (Van Driest 2004, Rani 2014 , LMM unpublished data). Of note, the child with HCM also carried a pathogenic v ariant in MYH7 (Van Driest 2004). It has been identified in 2/23916 Asian chromo somes by the Exome Aggregation Consortium (ExAC; dbSNP rs483352835). This variant occurs in the invariant region (+/- 1,2) and h as been shown to lead to the deletion of a single amino acid (Glu) (Van Driest 2 004). A small number of similar TNNT2 variants (single amino acid deletions and splice variants) are established as pathogenic for cardiomyopathy (DCM, HCM). In summary, while there is some suspicion for a pathogenic role, the clinical sign ificance of the c.571-1G>A variant is uncertain.

Stanford Center for Inherited Cardiovascular Disease, Stanford University
Classification: Likely pathogenic. Last evaluated: 2010-09-30. Review status: criteria provided, single submitter. Criteria: ACMG Guidelines, 2015. Collection method: provider interpretation. Allele origin: germline.

Clinical Genetics, Academic Medical Center
Classification: Uncertain significance. Review status: no assertion criteria provided. Collection method: clinical testing. Allele origin: germline. Affected: yes. Study: VKGL Data-share Consensus. Not counted in ClinVar's aggregate classification.

Evolutionary and Medical Genetics Laboratory,  Centre for Cellular and Molecular Biology
Classification: Uncertain significance. Review status: no assertion criteria provided. Collection method: not provided. Allele origin: unknown. Not counted in ClinVar's aggregate classification.
ClinVar note: Converted during submission from unknown to Uncertain significance.

Joint Genome Diagnostic Labs from Nijmegen and Maastricht, Radboudumc and MUMC+
Classification: Uncertain significance. Review status: no assertion criteria provided. Collection method: clinical testing. Allele origin: germline. Affected: yes. Study: VKGL Data-share Consensus. Not counted in ClinVar's aggregate classification.

Literature cited by the submitters: PubMed 16199547 (cited by Labcorp Genetics (formerly Invitae), Labcorp); PubMed 24992688 (cited by 6 submitters); PubMed 27532257 (cited by 5 submitters); PubMed 31983221 (cited by Labcorp Genetics (formerly Invitae), Labcorp and All of Us Research Program, National Institutes of Health); PubMed 37652022 (cited by Labcorp Genetics (formerly Invitae), Labcorp and Women's Health and Genetics/Laboratory Corporation of America, LabCorp); PubMed 26507537 (cited by Victorian Clinical Genetics Services, Murdoch Childrens Research Institute); PubMed 32098556 (cited by Victorian Clinical Genetics Services, Murdoch Childrens Research Institute); PubMed 33025817 (cited by Victorian Clinical Genetics Services, Murdoch Childrens Research Institute); PubMed 37821546 (cited by Victorian Clinical Genetics Services, Murdoch Childrens Research Institute and All of Us Research Program, National Institutes of Health); PubMed 30847666 (cited by Victorian Clinical Genetics Services, Murdoch Childrens Research Institute and All of Us Research Program, National Institutes of Health); PubMed 33553264 (cited by Victorian Clinical Genetics Services, Murdoch Childrens Research Institute and All of Us Research Program, National Institutes of Health); PubMed 18612386 (cited by Victorian Clinical Genetics Services, Murdoch Childrens Research Institute); PubMed 15358028 (cited by 4 submitters); PubMed 38456273 (cited by Women's Health and Genetics/Laboratory Corporation of America, LabCorp); PubMed 33495597 (cited by All of Us Research Program, National Institutes of Health); DOI 10.1101/2024.02.08.24302375 (cited by Ingles Lab, Garvan Institute Of Medical Research); PubMed 19754353 (cited by Laboratory for Molecular Medicine, Mass General Brigham Personalized Medicine).